The following is an entry in ClinVar:

ClinVar aggregate classification (germline): Pathogenic (1 of 4 stars; one submission).

Conditions:
Xanthinuria type II. Also called: Xanthine dehydrogenase and aldehyde oxidase combined deficiency of; XDH and AOX dual deficiency. Identifiers: Orphanet 3467, Orphanet 93602, MedGen C1863688, MONDO:0011346, OMIM 603592.

Submission:

Labcorp Genetics (formerly Invitae), Labcorp
Classification: Pathogenic for Xanthinuria type II. Last evaluated: 2025-10-26. Review status: criteria provided, single submitter. Criteria: Invitae Variant Classification Sherloc (09022015). Collection method: clinical testing. Allele origin: germline.
Comment: This sequence change creates a premature translational stop signal (p.Lys629Serfs*8) in the MOCOS gene. It is expected to result in an absent or disrupted protein product. Loss-of-function variants in MOCOS are known to be pathogenic (PMID: 11302742, 17368066). This variant is present in population databases (no rsID available, gnomAD 0.007%). This variant has not been reported in the literature in individuals affected with MOCOS-related conditions. For these reasons, this variant has been classified as Pathogenic.

Literature cited by the submitters: PubMed 11302742; PubMed 17368066.

NM_017947.4(MOCOS):c.1886del (p.Lys629fs)

Gene: MOCOS (molybdenum cofactor sulfurase; plus strand). Cytogenetic location: 18q12.2.
Variant type: Deletion.
Coding change: c.1886del on transcript NM_017947.4 (MANE Select); coding-DNA position 1886, one base deleted (A; older notation c.1886delA).
Protein change: p.Lys629fs; shifts the reading frame from lysine 629.
Molecular consequence: frameshift variant.
Genome position (GRCh38, 1-based): chr18:36,220,143, A deleted; the last of 2 consecutive A bases (chr18:36,220,142-36,220,143); deleting either gives the same sequence. VCF-style (leftmost placement, unchanged base first): chr18-36220141-GA-G. GRCh37 (hg19) VCF-style: chr18-33800104-GA-G.
Other names: short protein forms K629fs.
Identifiers: ClinVar variation 4704002 (VCV004704002.1).